The following is an entry in ClinVar:

NM_000726.5(CACNB4):c.771G>A (p.Thr257=)

Gene: CACNB4 (calcium voltage-gated channel auxiliary subunit beta 4; minus strand). Cytogenetic location: 2q23.3.
Variant type: single nucleotide variant.
Coding change: c.771G>A on transcript NM_000726.5 (MANE Select); coding-DNA position 771, G replaced by A.
Protein change: p.Thr257=; no amino-acid change (threonine 257 retained).
Molecular consequence: synonymous variant. On other transcripts: intron variant (3).
Genome position (GRCh38, 1-based): chr2:151,860,808, C>T on the plus strand (G>A on the coding strand, the complement: CACNB4 is on the minus strand). VCF-style: chr2-151860808-C-T. GRCh37 (hg19) VCF-style: chr2-152717322-C-T.
Other names: p.T257T:ACG>ACA; c.717G>A, p.Thr239= (NM_001005746.4); c.669G>A, p.Thr223= (NM_001005747.4); c.771G>A, p.Thr257= (NM_001145798.3); c.630G>A, p.Thr210= (NM_001320722.3, NM_001330118.2); c.117G>A, p.Thr39= (NM_001330114.2); c.213G>A, p.Thr71= (NM_001330117.2); c.626-5433G>A (NM_001330113.2); and 2 more.
Identifiers: ClinVar variation 136653 (VCV000136653.39), dbSNP rs2293219, ClinGen allele CA289955.

ClinVar aggregate classification (germline): Benign/Likely benign. Review status: criteria provided, multiple submitters, no conflicts (2 of 4 stars). 7 submissions from 7 submitters: Benign (1); Likely benign (3). 3 of the submissions do not count toward it. Last evaluated 2025-06-04.

Conditions:
CACNB4-related disorder. Also called: CACNB4-related condition; CACNB4-Related Disorders.
Idiopathic generalized epilepsy. Also called: Generalised epilepsy; EIG. Identifiers: MedGen C0270850, MONDO:0005579, OMIM 600669.

Allele frequency attached by ClinVar (database versions not stated): gnomAD exomes 0.00003 and 0.00008; gnomAD 0.00005 and 0.00008; ESP Exome Variant Server 0.00008; TOPMed 0.00008; ExAC 0.00009.
gnomAD v4.1: 87 of 1,609,588 alleles (0.0054%); highest among the groups gnomAD compares: East Asian, 0.045%; no homozygotes.

Submissions (7):

Labcorp Genetics (formerly Invitae), Labcorp
Classification: Likely benign for Idiopathic generalized epilepsy. Last evaluated: 2025-06-04. Review status: criteria provided, single submitter. Criteria: Invitae Variant Classification Sherloc (09022015). Collection method: clinical testing. Allele origin: germline.

Blueprint Genetics
Classification: Likely benign. Last evaluated: 2024-04-26. Review status: criteria provided, single submitter. Criteria: ACMG Guidelines, 2015. Collection method: clinical testing. Allele origin: germline.

CeGaT Center for Human Genetics Tuebingen
Classification: Likely benign. Last evaluated: 2022-07-01. Review status: criteria provided, single submitter. Criteria: CeGaT Center For Human Genetics Tuebingen Variant Classification Criteria Version 2. Collection method: clinical testing. Allele origin: germline. Affected: yes. Observed: 1 variant allele.
Comment: CACNB4: BP4, BP7

GeneDx
Classification: Benign. Last evaluated: 2014-02-07. Review status: criteria provided, single submitter. Criteria: GeneDx Variant Classification (06012015). Collection method: clinical testing. Allele origin: germline. Affected: yes.
Comment: This variant is considered likely benign or benign based on one or more of the following criteria: it is a conservative change, it occurs at a poorly conserved position in the protein, it is predicted to be benign by multiple in silico algorithms, and/or has population frequency not consistent with disease.

PreventionGenetics, part of Exact Sciences
Classification: Likely benign for CACNB4-related condition. Last evaluated: 2019-08-01. Review status: no assertion criteria provided. Collection method: clinical testing. Allele origin: germline. Not counted in ClinVar's aggregate classification.
Comment: This variant is classified as likely benign based on ACMG/AMP sequence variant interpretation guidelines (Richards et al. 2015 PMID: 25741868, with internal and published modifications).

Clinical Genetics DNA and cytogenetics Diagnostics Lab, Erasmus MC, Erasmus Medical Center
Classification: Likely benign. Review status: no assertion criteria provided. Collection method: clinical testing. Allele origin: germline. Affected: yes. Study: VKGL Data-share Consensus. Not counted in ClinVar's aggregate classification.

Genome Diagnostics Laboratory, University Medical Center Utrecht
Classification: Likely benign. Review status: no assertion criteria provided. Collection method: clinical testing. Allele origin: germline. Affected: yes. Study: VKGL Data-share Consensus. Not counted in ClinVar's aggregate classification.